The following is an entry in ClinVar:

NM_032638.5(GATA2):c.15C>G (p.Pro5=)

Gene: GATA2 (GATA binding protein 2; minus strand). Cytogenetic location: 3q21.3.
Variant type: single nucleotide variant.
Coding change: c.15C>G on transcript NM_032638.5 (MANE Select); coding-DNA position 15, C replaced by G.
Protein change: p.Pro5=; no amino-acid change (proline 5 retained).
Molecular consequence: synonymous variant.
Genome position (GRCh38, 1-based): chr3:128,487,017, G>C on the plus strand (C>G on the coding strand, the complement: GATA2 is on the minus strand). VCF-style: chr3-128487017-G-C. GRCh37 (hg19) VCF-style: chr3-128205860-G-C.
Other names: p.Pro5=; c.15C>G, p.Pro5= (NM_001145661.2, NM_001145662.1).
Identifiers: ClinVar variation 257563 (VCV000257563.46), dbSNP rs1573858, ClinGen allele CA2600126.

ClinVar aggregate classification (germline): Benign. Review status: criteria provided, multiple submitters, no conflicts (2 of 4 stars). 19 submissions from 18 submitters: Benign (14). 5 of the submissions do not count toward it. Last evaluated 2026-02-04.

Conditions:
Inborn genetic diseases. Identifiers: MedGen C0950123, MeSH D030342.
Deafness-lymphedema-leukemia syndrome. Also called: Lymphedema, primary, with myelodysplasia; Emberger syndrome. Identifiers: Orphanet 3226, MedGen C3279664, MONDO:0013540, OMIM 614038.
Monocytopenia with susceptibility to infections. Also called: IMMUNODEFICIENCY 21; MONOCYTOPENIA AND MYCOBACTERIAL INFECTION SYNDROME; MONOCYTOPENIA WITH SUSCEPTIBILITY TO MYCOBACTERIAL, FUNGAL, AND PAPILLOMAVIRUS INFECTIONS AND MYELODYSPLASIA; COMBINED IMMUNODEFICIENCY WITH SUSCEPTIBILITY TO MYCOBACTERIAL, VIRAL, AND FUNGAL INFECTIONS; Dendritic cell, monocyte, B lymphocyte, and natural killer lymphocyte deficiency; GATA2 DEFICIENCY. Identifiers: Orphanet 228423, MedGen C3280030, MONDO:0013607, OMIM 614172.

Allele frequency attached by ClinVar (database versions not stated): gnomAD exomes 0.66469; gnomAD 0.68065 and 0.68160; ESP Exome Variant Server 0.69339; ExAC 0.69432; TOPMed 0.70230; 1000 Genomes Project 0.70986; 1000 Genomes Project 30x 0.71362.
gnomAD v4.1: 1,014,894 of 1,589,600 alleles (64%); highest among the groups gnomAD compares: African/African-American, 79%; 326,671 homozygotes.

Submissions (19):

Labcorp Genetics (formerly Invitae), Labcorp
Classification: Benign for Monocytopenia with susceptibility to infections; Deafness-lymphedema-leukemia syndrome. Last evaluated: 2026-02-04. Review status: criteria provided, single submitter. Criteria: Invitae Variant Classification Sherloc (09022015). Collection method: clinical testing. Allele origin: germline.

ARUP Laboratories, Molecular Genetics and Genomics, ARUP Laboratories
Classification: Benign. Last evaluated: 2025-07-30. Review status: criteria provided, single submitter. Criteria: ARUP Molecular Germline Variant Investigation Process 2024. Collection method: clinical testing. Allele origin: germline.

Blueprint Genetics
Classification: Benign. Last evaluated: 2024-11-26. Review status: criteria provided, single submitter. Criteria: ACMG Guidelines, 2015. Collection method: clinical testing. Allele origin: germline.

Ambry Genetics
Classification: Benign for Inborn genetic diseases. Last evaluated: 2024-10-18. Review status: criteria provided, single submitter. Criteria: Ambry Variant Classification Scheme 2023. Collection method: clinical testing. Allele origin: germline.

Unidad de Genómica Garrahan, Hospital de Pediatría Garrahan
Classification: Benign. Last evaluated: 2023-11-12. Review status: criteria provided, single submitter. Criteria: ACMG Guidelines, 2015. Collection method: clinical testing. Allele origin: germline. Affected: no. Observed: 84 variant alleles.
Comment: This variant is classified as Benign based on local population frequency. This variant was detected in 88% of patients studied by a panel of primary immunodeficiencies. Number of patients: 84. Only high quality variants are reported.

Mayo Clinic Laboratories, Mayo Clinic
Classification: Benign. Last evaluated: 2022-09-29. Review status: criteria provided, single submitter. Criteria: ACMG Guidelines, 2015. Collection method: clinical testing. Allele origin: germline. Observed: 2,343 variant alleles.

Genome-Nilou Lab
Classification: Benign for Deafness-lymphedema-leukemia syndrome. Last evaluated: 2021-08-10. Review status: criteria provided, single submitter. Criteria: ACMG Guidelines, 2015. Collection method: clinical testing. Allele origin: germline. Affected: no.

Genome-Nilou Lab
Classification: Benign for Monocytopenia with susceptibility to infections. Last evaluated: 2021-08-10. Review status: criteria provided, single submitter. Criteria: ACMG Guidelines, 2015. Collection method: clinical testing. Allele origin: germline. Affected: no.

GeneDx
Classification: Benign. Last evaluated: 2018-09-14. Review status: criteria provided, single submitter. Criteria: GeneDx Variant Classification Process June 2021. Collection method: clinical testing. Allele origin: germline. Affected: yes.

PreventionGenetics, part of Exact Sciences
Classification: Benign. Last evaluated: 2018-04-04. Review status: criteria provided, single submitter. Criteria: ACMG Guidelines, 2015. Collection method: clinical testing. Allele origin: germline.

Illumina Laboratory Services, Illumina
Classification: Benign for Deafness-lymphedema-leukemia syndrome. Last evaluated: 2018-01-13. Review status: criteria provided, single submitter. Criteria: ICSL Variant Classification Criteria 13 December 2019. Collection method: clinical testing. Allele origin: germline.
Comment: This variant was observed in the ICSL laboratory as part of a predisposition screen in an ostensibly healthy population. It had not been previously curated by ICSL or reported in the Human Gene Mutation Database (HGMD: prior to June 1st, 2018), and was therefore a candidate for classification through an automated scoring system. Utilizing variant allele frequency, disease prevalence and penetrance estimates, and inheritance mode, an automated score was calculated to assess if this variant is too frequent to cause the disease. Based on the score and internal cut-off values, a variant classified as benign is not then subjected to further curation. The score for this variant resulted in a classification of benign for this disease.

Eurofins Ntd Llc (ga)
Classification: Benign. Last evaluated: 2016-10-31. Review status: criteria provided, single submitter. Criteria: EGL Classification Definitions 2015. Collection method: clinical testing. Allele origin: germline. Observed: 1 variant allele, 1 heterozygote.

Laboratory for Molecular Medicine, Mass General Brigham Personalized Medicine
Classification: Benign. Last evaluated: 2016-03-28. Review status: criteria provided, single submitter. Criteria: LMM Criteria. Collection method: clinical testing. Allele origin: germline.
Comment: Variant identified in a genome or exome case(s) and assessed due to predicted null impact of the variant or pathogenic assertions in the literature or databases. Disclaimer: This variant has not undergone full assessment. The following are preliminary notes: Frequency

Breakthrough Genomics
Classification: Benign. Review status: criteria provided, single submitter. Criteria: ACMG Guidelines, 2015. Collection method: not provided. Allele origin: germline. Inheritance: Autosomal dominant inheritance. Affected: yes.

Clinical Genetics DNA and cytogenetics Diagnostics Lab, Erasmus MC, Erasmus Medical Center
Classification: Benign. Review status: no assertion criteria provided. Collection method: clinical testing. Allele origin: germline. Affected: yes. Study: VKGL Data-share Consensus. Not counted in ClinVar's aggregate classification.

Clinical Genetics, Academic Medical Center
Classification: Benign. Review status: no assertion criteria provided. Collection method: clinical testing. Allele origin: germline. Affected: yes. Study: VKGL Data-share Consensus. Not counted in ClinVar's aggregate classification.

Diagnostic Laboratory, Department of Genetics, University Medical Center Groningen
Classification: Benign. Review status: no assertion criteria provided. Collection method: clinical testing. Allele origin: germline. Affected: yes. Study: VKGL Data-share Consensus. Not counted in ClinVar's aggregate classification.

Genome Diagnostics Laboratory, University Medical Center Utrecht
Classification: Benign. Review status: no assertion criteria provided. Collection method: clinical testing. Allele origin: germline. Affected: yes. Study: VKGL Data-share Consensus. Not counted in ClinVar's aggregate classification.

Joint Genome Diagnostic Labs from Nijmegen and Maastricht, Radboudumc and MUMC+
Classification: Benign. Review status: no assertion criteria provided. Collection method: clinical testing. Allele origin: germline. Affected: yes. Study: VKGL Data-share Consensus. Not counted in ClinVar's aggregate classification.